The following is an entry in ClinVar:

NM_003105.6(SORL1):c.275T>C (p.Val92Ala)

Genes: SORL1 (sortilin related receptor 1; plus strand), SORL1-AS1 (SORL1 antisense RNA 1; minus strand). Cytogenetic location: 11q24.1.
Variant type: single nucleotide variant.
Coding change: c.275T>C on transcript NM_003105.6 (MANE Select); coding-DNA position 275, T replaced by C.
Protein change: p.Val92Ala; replaces valine 92 with alanine.
Molecular consequence: missense variant.
Genome position (GRCh38, 1-based): chr11:121,452,606, T>C. VCF-style: chr11-121452606-T-C. GRCh37 (hg19) VCF-style: chr11-121323315-T-C.
Other names: short protein forms V92A.
Identifiers: ClinVar variation 1717787 (VCV001717787.6), dbSNP rs1860821361, ClinGen allele CA383284010.

ClinVar aggregate classification (germline): Uncertain significance (1 of 4 stars; one submission).

Submission:

Labcorp Genetics (formerly Invitae), Labcorp
Classification: Uncertain significance. Last evaluated: 2022-08-22. Review status: criteria provided, single submitter. Criteria: Invitae Variant Classification Sherloc (09022015). Collection method: clinical testing. Allele origin: germline.
Comment: In summary, the available evidence is currently insufficient to determine the role of this variant in disease. Therefore, it has been classified as a Variant of Uncertain Significance. Algorithms developed to predict the effect of missense changes on protein structure and function (SIFT, PolyPhen-2, Align-GVGD) all suggest that this variant is likely to be tolerated. This variant has not been reported in the literature in individuals affected with SORL1-related conditions. This variant is not present in population databases (gnomAD no frequency). This sequence change replaces valine, which is neutral and non-polar, with alanine, which is neutral and non-polar, at codon 92 of the SORL1 protein (p.Val92Ala).